The following is an entry in ClinVar:

NM_001282933.2(ZNF341):c.1852+1G>A

Gene: ZNF341 (zinc finger protein 341; plus strand). Cytogenetic location: 20q11.22.
Variant type: single nucleotide variant.
Coding change: c.1852+1G>A on transcript NM_001282933.2 (MANE Select); the canonical splice donor site of the intron after coding-DNA position 1852, G replaced by A.
Molecular consequence: splice donor variant.
Genome position (GRCh38, 1-based): chr20:33,783,865, G>A. VCF-style: chr20-33783865-G-A. GRCh37 (hg19) VCF-style: chr20-32371671-G-A.
Other names: c.1831+1G>A (NM_032819.5); c.1582+1G>A (NM_001282935.2).
Identifiers: ClinVar variation 2771573 (VCV002771573.3), dbSNP rs748778102, ClinGen allele CA9819567.

ClinVar aggregate classification (germline): Likely pathogenic (1 of 4 stars; one submission).

Allele frequency attached by ClinVar (database versions not stated): ExAC 0.00001; gnomAD exomes 0.00001.
gnomAD v4.1: 6 of 1,612,312 alleles (0.00037%); highest among the groups gnomAD compares: South Asian, 0.0011%; no homozygotes.

Submission:

Labcorp Genetics (formerly Invitae), Labcorp
Classification: Likely pathogenic. Last evaluated: 2023-10-24. Review status: criteria provided, single submitter. Criteria: Invitae Variant Classification Sherloc (09022015). Collection method: clinical testing. Allele origin: germline.
Comment: This sequence change affects a donor splice site in intron 12 of the ZNF341 gene. It is expected to disrupt RNA splicing. Variants that disrupt the donor or acceptor splice site typically lead to a loss of protein function (PMID: 16199547), and loss-of-function variants in ZNF341 are known to be pathogenic (PMID: 29907690, 29907691). This variant is present in population databases (rs748778102, gnomAD 0.003%). This variant has not been reported in the literature in individuals affected with ZNF341-related conditions. Algorithms developed to predict the effect of sequence changes on RNA splicing suggest that this variant may disrupt the consensus splice site. In summary, the currently available evidence indicates that the variant is pathogenic, but additional data are needed to prove that conclusively. Therefore, this variant has been classified as Likely Pathogenic.

Literature cited by the submitters: PubMed 16199547; PubMed 29907690; PubMed 29907691.